The following is an entry in ClinVar:

NM_001378964.1(CDON):c.3294G>A (p.Thr1098=)

Gene: CDON (cell adhesion associated, oncogene regulated; minus strand). Cytogenetic location: 11q24.2.
Variant type: single nucleotide variant.
Coding change: c.3294G>A on transcript NM_001378964.1 (MANE Select); coding-DNA position 3294, G replaced by A.
Protein change: p.Thr1098=; no amino-acid change (threonine 1098 retained).
Molecular consequence: synonymous variant.
Genome position (GRCh38, 1-based): chr11:125,978,366, C>T on the plus strand (G>A on the coding strand, the complement: CDON is on the minus strand). VCF-style: chr11-125978366-C-T. GRCh37 (hg19) VCF-style: chr11-125848261-C-T.
Other names: c.3294G>A, p.Thr1098= (NM_001243597.3, NM_016952.6).
Identifiers: ClinVar variation 260793 (VCV000260793.23), dbSNP rs3740904, ClinGen allele CA6351443.

ClinVar aggregate classification (germline): Benign. Review status: criteria provided, multiple submitters, no conflicts (2 of 4 stars). 9 submissions from 9 submitters: Benign (7). 2 of the submissions do not count toward it. Last evaluated 2026-02-02.

Conditions:
Holoprosencephaly 11 (HPE11). Identifiers: Orphanet 2162, MedGen C3280215, MONDO:0013642, OMIM 614226.

Allele frequency attached by ClinVar (database versions not stated): ESP Exome Variant Server 0.35646; gnomAD exomes 0.36736 and 0.38367; TOPMed 0.36930; gnomAD 0.37090 and 0.37320; 1000 Genomes Project 0.39956; 1000 Genomes Project 30x 0.40131; ExAC 0.41429.
gnomAD v4.1: 588,814 of 1,598,876 alleles (37%); highest among the groups gnomAD compares: Admixed American, 44%; 109,930 homozygotes.

Submissions (9):

Labcorp Genetics (formerly Invitae), Labcorp
Classification: Benign for Holoprosencephaly 11. Last evaluated: 2026-02-02. Review status: criteria provided, single submitter. Criteria: Invitae Variant Classification Sherloc (09022015). Collection method: clinical testing. Allele origin: germline.

Blueprint Genetics
Classification: Benign. Last evaluated: 2024-11-27. Review status: criteria provided, single submitter. Criteria: ACMG Guidelines, 2015. Collection method: clinical testing. Allele origin: germline.

Genome-Nilou Lab
Classification: Benign for Holoprosencephaly 11. Last evaluated: 2021-07-22. Review status: criteria provided, single submitter. Criteria: ACMG Guidelines, 2015. Collection method: clinical testing. Allele origin: germline. Affected: no.

GeneDx
Classification: Benign. Last evaluated: 2018-06-25. Review status: criteria provided, single submitter. Criteria: GeneDx Variant Classification Process June 2021. Collection method: clinical testing. Allele origin: germline. Affected: yes.

Illumina Laboratory Services, Illumina
Classification: Benign for Holoprosencephaly 11. Last evaluated: 2018-01-13. Review status: criteria provided, single submitter. Criteria: ICSL Variant Classification Criteria 13 December 2019. Collection method: clinical testing. Allele origin: germline.
Comment: This variant was observed in the ICSL laboratory as part of a predisposition screen in an ostensibly healthy population. It had not been previously curated by ICSL or reported in the Human Gene Mutation Database (HGMD: prior to June 1st, 2018), and was therefore a candidate for classification through an automated scoring system. Utilizing variant allele frequency, disease prevalence and penetrance estimates, and inheritance mode, an automated score was calculated to assess if this variant is too frequent to cause the disease. Based on the score and internal cut-off values, a variant classified as benign is not then subjected to further curation. The score for this variant resulted in a classification of benign for this disease.

Breakthrough Genomics
Classification: Benign. Review status: criteria provided, single submitter. Criteria: ACMG Guidelines, 2015. Collection method: not provided. Allele origin: germline. Inheritance: Autosomal dominant inheritance. Affected: yes.

PreventionGenetics, part of Exact Sciences
Classification: Benign. Review status: criteria provided, single submitter. Criteria: ACMG Guidelines, 2015. Collection method: clinical testing. Allele origin: germline.

Clinical Genetics, Academic Medical Center
Classification: Benign. Review status: no assertion criteria provided. Collection method: clinical testing. Allele origin: germline. Affected: yes. Study: VKGL Data-share Consensus. Not counted in ClinVar's aggregate classification.

Diagnostic Laboratory, Department of Genetics, University Medical Center Groningen
Classification: Benign. Review status: no assertion criteria provided. Collection method: clinical testing. Allele origin: germline. Affected: yes. Study: VKGL Data-share Consensus. Not counted in ClinVar's aggregate classification.